The following is an entry in ClinVar:

NM_206926.2(SELENON):c.1364C>A (p.Thr455Asn)

Gene: SELENON (selenoprotein N; plus strand). Cytogenetic location: 1p36.11.
Variant type: single nucleotide variant.
Coding change: c.1364C>A on transcript NM_206926.2 (MANE Select); coding-DNA position 1364, C replaced by A.
Protein change: p.Thr455Asn; replaces threonine 455 with asparagine.
Molecular consequence: missense variant.
Genome position (GRCh38, 1-based): chr1:25,813,959, C>A. VCF-style: chr1-25813959-C-A. GRCh37 (hg19) VCF-style: chr1-26140450-C-A.
Other names: c.1466C>A, p.Thr489Asn (NM_020451.3); short protein forms T455N, T489N.
Identifiers: ClinVar variation 4070945 (VCV004070945.1).
Genomic context (GRCh38, chr1:25,813,959, plus strand): 5'-GGGAGACTGTCCTGGAAAGTTCGCCCATCCTCACCCTGCTCAACGAGAGCTTCATCAGCA[C>A]CTGGTCCCTGGTGAAGGAGCTGGAGGAACTGCAGGTGAGCGGGCAGGTGGCAGGAACAGG-3'
Protein context (NP_996809.1, residues 445-465): LTLLNESFIS[Thr455Asn]WSLVKELEEL

ClinVar aggregate classification (germline): Uncertain significance (1 of 4 stars; one submission).

Conditions:
Eichsfeld type congenital muscular dystrophy (CMYO3). Also called: Rigid spine muscular dystrophy 1; SELENON-related myopathy; Congenital myopathy 3 with rigid spine; MYOPATHY, SEPN1-RELATED. Identifiers: MedGen C0410180, MONDO:0100100, OMIM 602771.

Submission:

Diagnostics Services (NGS), CSIR - Centre For Cellular And Molecular Biology
Classification: Uncertain significance for Eichsfeld type congenital muscular dystrophy. Last evaluated: 2025-07-16. Review status: criteria provided, single submitter. Criteria: ACMG Guidelines, 2015. Collection method: clinical testing. Allele origin: germline. Affected: yes. Observed: 1 variant allele, 1 homozygote.
Comment: The c.1466C>A variant is not present in publicly available population databases like 1000 Genomes, EVS, gnomAD, Indian Exome Database or our internal database. This variant has neither been published in the literature for SELENON-related conditions nor reported to clinical databases like Human Genome Mutation database (HGMD), ClinVar or OMIM in any affected individuals. In-silico pathogenicity prediction programs like MutationTaster2021, CADD, etc predicted this variant to be likely deleterious, however these predictions were not confirmed by published functional studies.